The following is an entry in ClinVar:

ClinVar aggregate classification (germline): Likely benign. Review status: criteria provided, multiple submitters, no conflicts (2 of 4 stars). 2 submissions from 2 submitters: Likely benign (2). Last evaluated 2025-12-11.

gnomAD v4.1: 3 of 1,614,176 alleles (0.00019%); highest among the groups gnomAD compares: Non-Finnish European, 0.00025%; no homozygotes.

Submissions (2):

Labcorp Genetics (formerly Invitae), Labcorp
Classification: Likely benign. Last evaluated: 2025-12-11. Review status: criteria provided, single submitter. Criteria: Invitae Variant Classification Sherloc (09022015). Collection method: clinical testing. Allele origin: germline.

CeGaT Center for Human Genetics Tuebingen
Classification: Likely benign. Last evaluated: 2025-11-01. Review status: criteria provided, single submitter. Criteria: CeGaT Center For Human Genetics Tuebingen Variant Classification Criteria Version 2. Collection method: clinical testing. Allele origin: germline. Affected: yes. Observed: 1 variant allele.
Comment: SON: BP4, BP7

NM_138927.4(SON):c.5256T>C (p.Ile1752=)

Gene: SON (SON DNA and RNA binding protein; plus strand). Cytogenetic location: 21q22.11.
Variant type: single nucleotide variant.
Coding change: c.5256T>C on transcript NM_138927.4 (MANE Select); coding-DNA position 5256, T replaced by C.
Protein change: p.Ile1752=; no amino-acid change (isoleucine 1752 retained).
Molecular consequence: synonymous variant. On other transcripts: non-coding transcript variant (1), intron variant (1).
Genome position (GRCh38, 1-based): chr21:33,554,487, T>C. VCF-style: chr21-33554487-T-C. GRCh37 (hg19) VCF-style: chr21-34926793-T-C.
Other names: c.5256T>C, p.Ile1752= (NM_001291411.2, NM_032195.3); c.245-2669T>C (NM_001291412.3).
Identifiers: ClinVar variation 4535342 (VCV004535342.7).